The following is an entry in ClinVar:

NM_015054.2(BLTP3B):c.1471C>T (p.Leu491=)

Gene: BLTP3B (bridge-like lipid transfer protein family member 3B; minus strand). Cytogenetic location: 12q23.1.
Variant type: single nucleotide variant.
Coding change: c.1471C>T on transcript NM_015054.2 (MANE Select); coding-DNA position 1471, C replaced by T.
Protein change: p.Leu491=; no amino-acid change (leucine 491 retained).
Molecular consequence: synonymous variant.
Genome position (GRCh38, 1-based): chr12:100,072,750, G>A on the plus strand (C>T on the coding strand, the complement: BLTP3B is on the minus strand). VCF-style: chr12-100072750-G-A. GRCh37 (hg19) VCF-style: chr12-100466528-G-A.
Other names: c.1471C>T, p.Leu491= (NM_001006947.2).
Identifiers: ClinVar variation 774217 (VCV000774217.28), dbSNP rs143906625, ClinGen allele CA6736514.
Genomic context (GRCh38, chr12:100,072,750, plus strand): 5'-CTGGATAGTAATATTCTGTGAATTCTATATAGACAGCTGACATTTCTTGTGGAAGATATA[G>A]GGATTTTTTATTGCAGCAAATCATGCTTTTGGGGGAAGAACGACATTGTTCCGCTGTAGA-3'
Protein context (NP_055869.1, residues 481-501): KSMICCNKKS[Leu491=]YLPQEMSAVY

ClinVar aggregate classification (germline): Benign. Review status: criteria provided, multiple submitters, no conflicts (2 of 4 stars). 2 submissions from 2 submitters: Benign (2). Last evaluated 2023-11-01.

Allele frequency attached by ClinVar (database versions not stated): 1000 Genomes Project 0.00619; 1000 Genomes Project 30x 0.00656; gnomAD exomes 0.00776; gnomAD 0.00779 and 0.00791; ExAC 0.00793; TOPMed 0.00858; ESP Exome Variant Server 0.00884.
gnomAD v4.1: 16,923 of 1,607,824 alleles (1.1%); highest among the groups gnomAD compares: Non-Finnish European, 1.3%; 102 homozygotes.

Submissions (2):

CeGaT Center for Human Genetics Tuebingen
Classification: Benign. Last evaluated: 2023-11-01. Review status: criteria provided, single submitter. Criteria: CeGaT Center For Human Genetics Tuebingen Variant Classification Criteria Version 2. Collection method: clinical testing. Allele origin: germline. Affected: yes. Observed: 2 variant alleles.
Comment: BLTP3B: BP4, BP7, BS1, BS2

Labcorp Genetics (formerly Invitae), Labcorp
Classification: Benign. Last evaluated: 2019-12-31. Review status: criteria provided, single submitter. Criteria: Invitae Variant Classification Sherloc (09022015). Collection method: clinical testing. Allele origin: germline.